The following is an entry in ClinVar:

ClinVar aggregate classification (germline): Pathogenic (1 of 4 stars; one submission).

Conditions:
Peroxisome biogenesis disorder 11A (Zellweger). Also called: Peroxisome biogenesis disorder 11A. Identifiers: Orphanet 912, MedGen C3554000, MONDO:0013949, OMIM 614883.

Submission:

Labcorp Genetics (formerly Invitae), Labcorp
Classification: Pathogenic for Peroxisome biogenesis disorder 11A (Zellweger). Last evaluated: 2023-02-05. Review status: criteria provided, single submitter. Criteria: Invitae Variant Classification Sherloc (09022015). Collection method: clinical testing. Allele origin: germline.
Comment: This sequence change creates a premature translational stop signal (p.Thr49Asnfs*18) in the PEX13 gene. It is expected to result in an absent or disrupted protein product. Loss-of-function variants in PEX13 are known to be pathogenic (PMID: 10332040, 21031596). This variant is not present in population databases (gnomAD no frequency). This variant has not been reported in the literature in individuals affected with PEX13-related conditions. For these reasons, this variant has been classified as Pathogenic.

Literature cited by the submitters: PubMed 10332040; PubMed 21031596.

NM_002618.4(PEX13):c.145dup (p.Thr49fs)

Gene: PEX13 (peroxisomal biogenesis factor 13; plus strand). Cytogenetic location: 2p15.
Variant type: Duplication.
Coding change: c.145dup on transcript NM_002618.4 (MANE Select); coding-DNA position 145, one base duplicated (A; older notation c.145dupA).
Protein change: p.Thr49fs; shifts the reading frame from threonine 49.
Molecular consequence: frameshift variant.
Genome position (GRCh38, 1-based): chr2:61,031,471, A duplicated. VCF-style (leftmost placement, unchanged base first): chr2-61031470-T-TA. GRCh37 (hg19) VCF-style: chr2-61258605-T-TA.
Other names: short protein forms T49fs.
Identifiers: ClinVar variation 2834722 (VCV002834722.3), dbSNP rs2467507426, ClinGen allele CA2739274526.
Genomic context (GRCh38, chr2:61,031,470, plus strand): 5'-TGGTTTTAGATCTGCTGATTTGGGTCCTACTTTAATGACAAGACCTGGACAACCAGCACT[T>TA]ACCAGAGTGCCCCCACCTATTCTTCCAAGGCCATCACAGCAGACAGGAAGTAGCAGTGTG-3'